The following is an entry in ClinVar:

NM_001105206.3(LAMA4):c.2665A>C (p.Asn889His)

Gene: LAMA4 (laminin subunit alpha 4; minus strand). Cytogenetic location: 6q21.
Variant type: single nucleotide variant.
Coding change: c.2665A>C on transcript NM_001105206.3 (MANE Select); coding-DNA position 2665, A replaced by C.
Protein change: p.Asn889His; replaces asparagine 889 with histidine.
Molecular consequence: missense variant.
Genome position (GRCh38, 1-based): chr6:112,142,121, T>G on the plus strand (A>C on the coding strand, the complement: LAMA4 is on the minus strand). VCF-style: chr6-112142121-T-G. GRCh37 (hg19) VCF-style: chr6-112463323-T-G.
Other names: c.2644A>C, p.Asn882His (NM_001105207.3, NM_002290.5); short protein forms N882H, N889H.
Identifiers: ClinVar variation 1444889 (VCV001444889.11), dbSNP rs782532289, ClinGen allele CA3965422.

ClinVar aggregate classification (germline): Conflicting classifications of pathogenicity. Review status: criteria provided, conflicting classifications (1 of 4 stars). 2 submissions from 2 submitters: Uncertain significance (1); Likely benign (1). Last evaluated 2025-12-09.

Conditions:
Cardiovascular phenotype. Identifiers: MedGen CN230736.
Dilated cardiomyopathy 1JJ (CMD1JJ). Identifiers: Orphanet 154, MedGen C3808935, MONDO:0014095, OMIM 615235.

Allele frequency attached by ClinVar (database versions not stated): gnomAD 0.00001; TOPMed 0.00001; ExAC 0.00002; gnomAD exomes 0.00002 and 0.00004.
gnomAD v4.1: 61 of 1,613,978 alleles (0.0038%); highest among the groups gnomAD compares: East Asian, 0.13%; no homozygotes.

Submissions (2):

Labcorp Genetics (formerly Invitae), Labcorp
Classification: Uncertain significance for Dilated cardiomyopathy 1JJ. Last evaluated: 2025-12-09. Review status: criteria provided, single submitter. Criteria: Invitae Variant Classification Sherloc (09022015). Collection method: clinical testing. Allele origin: germline.
Comment: This sequence change replaces asparagine, which is neutral and polar, with histidine, which is basic and polar, at codon 882 of the LAMA4 protein (p.Asn882His). This variant is present in population databases (rs782532289, gnomAD 0.02%). This variant has not been reported in the literature in individuals affected with LAMA4-related conditions. ClinVar contains an entry for this variant (Variation ID: 1444889). An algorithm developed to predict the effect of missense changes on protein structure and function outputs the following: PolyPhen-2: "Benign". The histidine amino acid residue is found in multiple mammalian species, which suggests that this missense change does not adversely affect protein function. In summary, the available evidence is currently insufficient to determine the role of this variant in disease. Therefore, it has been classified as a Variant of Uncertain Significance.

Ambry Genetics
Classification: Likely benign for Cardiovascular phenotype. Last evaluated: 2025-07-17. Review status: criteria provided, single submitter. Criteria: Ambry Variant Classification Scheme 2023. Collection method: clinical testing. Allele origin: germline.